The following is an entry in ClinVar:

ClinVar aggregate classification (germline): Uncertain significance (1 of 4 stars; one submission).

Submission:

Greenwood Genetic Center Diagnostic Laboratories, Greenwood Genetic Center
Classification: Uncertain significance. Last evaluated: 2020-11-23. Review status: criteria provided, single submitter. Criteria: ACMG Guidelines, 2015. Collection method: clinical testing. Allele origin: germline. Affected: yes.
Comment: PM2

NM_001387690.1(KATNAL2):c.1296C>G (p.Ile432Met)

Gene: KATNAL2 (katanin catalytic subunit A1 like 2; plus strand). Cytogenetic location: 18q21.1.
Variant type: single nucleotide variant.
Coding change: c.1296C>G on transcript NM_001387690.1 (MANE Select); coding-DNA position 1296, C replaced by G.
Protein change: p.Ile432Met; replaces isoleucine 432 with methionine.
Molecular consequence: missense variant. On other transcripts: non-coding transcript variant (1).
Genome position (GRCh38, 1-based): chr18:47,099,327, C>G. VCF-style: chr18-47099327-C-G. GRCh37 (hg19) VCF-style: chr18-44625698-C-G.
Other names: c.1374C>G, p.Ile458Met (NM_001353899.1); c.1371C>G, p.Ile457Met (NM_001353900.1); c.963C>G, p.Ile321Met (NM_001353903.1); c.864C>G, p.Ile288Met (NM_001353904.1); c.1296C>G, p.Ile432Met (NM_001367621.1); c.1080C>G, p.Ile360Met (NM_031303.3); short protein forms I288M, I321M, I360M, I432M, I457M, I458M.
Identifiers: ClinVar variation 1331523 (VCV001331523.4), dbSNP rs2147434737, ClinGen allele CA402392457.
Genomic context (GRCh38, chr18:47,099,327, plus strand): 5'-CCGCCTGGAGAAGAGGATTCTGGTCGATCTCCCCAGCCGGGAGGCCAGGCAGGCCATGAT[C>G]TACCACTGGCTGCCTCCTGTGAGCAAGAGCAGGGCCTTGGAGCTGCACACAGAGCTGGAG-3'
Protein context (NP_001374619.1, residues 422-442): LPSREARQAM[Ile432Met]YHWLPPVSKS